The following is an entry in ClinVar:

NM_000717.5(CA4):c.835C>T (p.Arg279Cys)

Gene: CA4 (carbonic anhydrase 4; plus strand). Cytogenetic location: 17q23.1.
Variant type: single nucleotide variant.
Coding change: c.835C>T on transcript NM_000717.5 (MANE Select); coding-DNA position 835, C replaced by T.
Protein change: p.Arg279Cys; replaces arginine 279 with cysteine.
Molecular consequence: missense variant. On other transcripts: non-coding transcript variant (1).
Genome position (GRCh38, 1-based): chr17:60,159,320, C>T. VCF-style: chr17-60159320-C-T. GRCh37 (hg19) VCF-style: chr17-58236681-C-T.
Other names: short protein forms R279C.
Identifiers: ClinVar variation 969186 (VCV000969186.9), dbSNP rs750641080, ClinGen allele CA8685550.
Genomic context (GRCh38, chr17:60,159,320, plus strand): 5'-GACAAGGAACAGACAGTGAGCATGAAGGACAATGTCAGGCCCCTGCAGCAGCTGGGGCAG[C>T]GCACGGTGATAAAGTCCGGGGCCCCGGGTCGGCCGCTGCCCTGGGCCCTGCCTGCCCTGC-3'
Protein context (NP_000708.1, residues 269-289): NVRPLQQLGQ[Arg279Cys]TVIKSGAPGR

ClinVar aggregate classification (germline): Uncertain significance (1 of 4 stars; one submission).

Allele frequency attached by ClinVar (database versions not stated): ExAC 0.00002; gnomAD exomes 0.00003; gnomAD 0.00005 and 0.00011; TOPMed 0.00009.

Submission:

Labcorp Genetics (formerly Invitae), Labcorp
Classification: Uncertain significance. Last evaluated: 2024-10-14. Review status: criteria provided, single submitter. Criteria: Invitae Variant Classification Sherloc (09022015). Collection method: clinical testing. Allele origin: germline.
Comment: This sequence change replaces arginine, which is basic and polar, with cysteine, which is neutral and slightly polar, at codon 279 of the CA4 protein (p.Arg279Cys). This variant is present in population databases (rs750641080, gnomAD 0.007%). This variant has not been reported in the literature in individuals affected with CA4-related conditions. ClinVar contains an entry for this variant (Variation ID: 969186). Invitae Evidence Modeling of protein sequence and biophysical properties (such as structural, functional, and spatial information, amino acid conservation, physicochemical variation, residue mobility, and thermodynamic stability) indicates that this missense variant is expected to disrupt CA4 protein function with a positive predictive value of 80%. In summary, the available evidence is currently insufficient to determine the role of this variant in disease. Therefore, it has been classified as a Variant of Uncertain Significance.